The following is an entry in ClinVar:

NM_001134363.3(RBM20):c.336C>T (p.Asn112=)

Gene: RBM20 (RNA binding motif protein 20; plus strand). Cytogenetic location: 10q25.2.
Variant type: single nucleotide variant.
Coding change: c.336C>T on transcript NM_001134363.3 (MANE Select); coding-DNA position 336, C replaced by T.
Protein change: p.Asn112=; no amino-acid change (asparagine 112 retained).
Molecular consequence: synonymous variant.
Genome position (GRCh38, 1-based): chr10:110,780,945, C>T. VCF-style: chr10-110780945-C-T. GRCh37 (hg19) VCF-style: chr10-112540703-C-T.
Identifiers: ClinVar variation 2582009 (VCV002582009.1), dbSNP rs1033979309, ClinGen allele CA213234569.
Genomic context (GRCh38, chr10:110,780,945, plus strand): 5'-TCAACTGCAGGCCCAGCTCACCCTCCACCGGCTGAAGCTGGCACAGACAGCTGTCACCAA[C>T]AACACTGCAGCCGCCACAGTCCTGAACCAAGTCCTCTCCAAAGTGGCCATGTCCCAGCCT-3'
Protein context (NP_001127835.2, residues 102-122): RLKLAQTAVT[Asn112=]NTAAATVLNQ

ClinVar aggregate classification (germline): Uncertain significance (1 of 4 stars; one submission).

Allele frequency attached by ClinVar (database versions not stated): gnomAD exomes below 0.00001.
gnomAD v4.1: 1 of 1,551,722 alleles (0.000064%); highest among the groups gnomAD compares: Non-Finnish European, 0.000087%; no homozygotes.

Submission:

GeneDx
Classification: Uncertain significance. Last evaluated: 2023-03-27. Review status: criteria provided, single submitter. Criteria: GeneDx Variant Classification Process June 2021. Collection method: clinical testing. Allele origin: germline. Affected: yes.
Comment: Has not been previously published as pathogenic or benign to our knowledge; Not observed at significant frequency in large population cohorts (gnomAD); In silico analysis supports that this variant does not alter splicing